The following is an entry in ClinVar:

ClinVar aggregate classification (germline): Pathogenic (1 of 4 stars; one submission).

Conditions:
Hereditary cancer-predisposing syndrome. Also called: Neoplastic Syndromes, Hereditary; Tumor predisposition; Hereditary Cancer Syndrome; Hereditary neoplastic syndrome. Identifiers: Orphanet 140162, MedGen C0027672, MeSH D009386, MONDO:0015356.

Submission:

Ambry Genetics
Classification: Pathogenic for Hereditary cancer-predisposing syndrome. Last evaluated: 2019-08-28. Review status: criteria provided, single submitter. Criteria: Ambry Variant Classification Scheme 2023. Collection method: clinical testing. Allele origin: germline.
Comment: The c.217dupA pathogenic mutation, located in coding exon 3 of the CDH1 gene, results from a duplication of A at nucleotide position 217, causing a translational frameshift with a predicted alternate stop codon (p.T73Nfs*21). This alteration is expected to result in loss of function by premature protein truncation or nonsense-mediated mRNA decay. As such, this alteration is interpreted as a disease-causing mutation.

NM_004360.5(CDH1):c.217dup (p.Thr73fs)

Gene: CDH1 (cadherin 1; plus strand). Cytogenetic location: 16q22.1.
Variant type: Duplication.
Coding change: c.217dup on transcript NM_004360.5 (MANE Select); coding-DNA position 217, one base duplicated (A; older notation c.217dupA).
Protein change: p.Thr73fs; shifts the reading frame from threonine 73.
Molecular consequence: frameshift variant. On other transcripts: 5 prime UTR variant (2).
Genome position (GRCh38, 1-based): chr16:68,801,723, A duplicated. VCF-style (leftmost placement, unchanged base first): chr16-68801722-C-CA. GRCh37 (hg19) VCF-style: chr16-68835625-C-CA.
Other names: c.217dup, p.Thr73fs (NM_001317184.2); c.-1399dup (NM_001317185.2); c.-1603dup (NM_001317186.2); short protein forms T73fs.
Identifiers: ClinVar variation 820851 (VCV000820851.4), dbSNP rs1597884637, ClinGen allele CA915949294.
Genomic context (GRCh38, chr16:68,801,722, plus strand): 5'-CCCTGCAGTGAATTTTGAAGATTGCACCGGTCGACAAAGGACAGCCTATTTTTCCCTCGA[C>CA]ACCCGATTCAAAGTGGGCACAGATGGTGTGATTACAGTCAAAAGGCCTCTACGGTTTCAT-3'